The following is an entry in ClinVar:

NM_015311.3(OBSL1):c.3140_3143dup (p.Pro1049fs)

Gene: OBSL1 (obscurin like cytoskeletal adaptor 1; minus strand). Cytogenetic location: 2q35.
Variant type: Duplication.
Coding change: c.3140_3143dup on transcript NM_015311.3 (MANE Select); coding-DNA positions 3140 to 3143, 4 bases duplicated (TGCT; older notation c.3140_3143dupTGCT).
Protein change: p.Pro1049fs; shifts the reading frame from proline 1049.
Molecular consequence: frameshift variant.
Genome position (GRCh38, 1-based): chr2:219,559,308-219,559,311, AGCA duplicated on the plus strand (TGCT on the coding strand, the reverse complement: OBSL1 is on the minus strand). VCF-style (leftmost placement, unchanged base first): chr2-219559307-T-TAGCA. GRCh37 (hg19) VCF-style: chr2-220424029-T-TAGCA.
Other names: c.3140_3143dup, p.Pro1049fs (NM_001173431.2); c.3140_3143dupTGCT (NM_015311.3); short protein forms P1049fs.
Identifiers: ClinVar variation 4845806 (VCV004845806.1).

ClinVar aggregate classification (germline): Likely pathogenic (1 of 4 stars; one submission).

Conditions:
3M syndrome 2. Also called: 3-M Syndrome, OBSL1-Related; THREE M SYNDROME 2. Identifiers: Orphanet 2616, MedGen C2752041, MONDO:0013039, OMIM 612921.

Submission:

First Genomix Gene Laboratory, Genetic Diagnostics Department
Classification: Likely pathogenic for 3M syndrome 2. Last evaluated: 2025-03-25. Review status: criteria provided, single submitter. Criteria: ACMG Guidelines, 2015. Collection method: clinical testing. Allele origin: germline. Inheritance: Autosomal recessive inheritance. Affected: no. Observed: 1 variant allele.